The following is an entry in ClinVar:

NM_000111.3(SLC26A3):c.118A>T (p.Lys40Ter)

Gene: SLC26A3 (solute carrier family 26 member 3; minus strand). Cytogenetic location: 7q22.3.
Variant type: single nucleotide variant.
Coding change: c.118A>T on transcript NM_000111.3 (MANE Select); coding-DNA position 118, A replaced by T.
Protein change: p.Lys40Ter; replaces lysine 40 with a stop codon.
Molecular consequence: nonsense.
Genome position (GRCh38, 1-based): chr7:107,794,392, T>A on the plus strand (A>T on the coding strand, the complement: SLC26A3 is on the minus strand). VCF-style: chr7-107794392-T-A. GRCh37 (hg19) VCF-style: chr7-107434837-T-A.
Other names: short protein forms K40*.
Identifiers: ClinVar variation 2732780 (VCV002732780.3), dbSNP rs758784870, ClinGen allele CA4434254.
Genomic context (GRCh38, chr7:107,794,392, plus strand): 5'-GCTTCAAAAATGTATTCCTAATGCCAATACCTTAAAAAATATCTTACCTACAACACACTT[T>A]GAGATGATCCAGAAATGTCTTATGATGTCTTCCTGTCTTTTTATGATTTTCCTCAAAAGC-3'

ClinVar aggregate classification (germline): Pathogenic (1 of 4 stars; one submission).

Allele frequency attached by ClinVar (database versions not stated): ExAC 0.00001.

Submission:

Labcorp Genetics (formerly Invitae), Labcorp
Classification: Pathogenic. Last evaluated: 2024-02-20. Review status: criteria provided, single submitter. Criteria: Invitae Variant Classification Sherloc (09022015). Collection method: clinical testing. Allele origin: germline.
Comment: This sequence change creates a premature translational stop signal (p.Lys40*) in the SLC26A3 gene. It is expected to result in an absent or disrupted protein product. Loss-of-function variants in SLC26A3 are known to be pathogenic (PMID: 9718329, 21394828). This variant is present in population databases (rs758784870, gnomAD 0.006%). This variant has not been reported in the literature in individuals affected with SLC26A3-related conditions. For these reasons, this variant has been classified as Pathogenic.

Literature cited by the submitters: PubMed 9718329; PubMed 21394828.